The following is an entry in ClinVar:

ClinVar aggregate classification (germline): Uncertain significance (1 of 4 stars; one submission).

Allele frequency attached by ClinVar (database versions not stated): TOPMed below 0.00001.

Submission:

Labcorp Genetics (formerly Invitae), Labcorp
Classification: Uncertain significance. Last evaluated: 2022-07-21. Review status: criteria provided, single submitter. Criteria: Invitae Variant Classification Sherloc (09022015). Collection method: clinical testing. Allele origin: germline.
Comment: Algorithms developed to predict the effect of missense changes on protein structure and function are either unavailable or do not agree on the potential impact of this missense change (SIFT: "Not Available"; PolyPhen-2: "Benign"; Align-GVGD: "Not Available"). This variant has not been reported in the literature in individuals affected with TIMM50-related conditions. This variant is present in population databases (rs769744526, gnomAD 0.0009%). This sequence change replaces alanine, which is neutral and non-polar, with serine, which is neutral and polar, at codon 384 of the TIMM50 protein (p.Ala384Ser). In summary, the available evidence is currently insufficient to determine the role of this variant in disease. Therefore, it has been classified as a Variant of Uncertain Significance.

NM_001001563.5(TIMM50):c.841G>T (p.Ala281Ser)

Gene: TIMM50 (translocase of inner mitochondrial membrane 50; plus strand). Cytogenetic location: 19q13.2.
Variant type: single nucleotide variant.
Coding change: c.841G>T on transcript NM_001001563.5 (MANE Select); coding-DNA position 841, G replaced by T.
Protein change: p.Ala281Ser; replaces alanine 281 with serine.
Molecular consequence: missense variant.
Genome position (GRCh38, 1-based): chr19:39,488,205, G>T. VCF-style: chr19-39488205-G-T. GRCh37 (hg19) VCF-style: chr19-39978845-G-T.
Other names: c.502G>T, p.Ala168Ser (NM_001329559.2); short protein forms A168S, A281S.
Identifiers: ClinVar variation 2107128 (VCV002107128.4), dbSNP rs769744526, ClinGen allele CA9431976.